The following is an entry in ClinVar:

NM_000466.3(PEX1):c.2269T>C (p.Leu757=)

Gene: PEX1 (peroxisomal biogenesis factor 1; minus strand). Cytogenetic location: 7q21.2.
Variant type: single nucleotide variant.
Coding change: c.2269T>C on transcript NM_000466.3 (MANE Select); coding-DNA position 2269, T replaced by C.
Protein change: p.Leu757=; no amino-acid change (leucine 757 retained).
Molecular consequence: synonymous variant.
Genome position (GRCh38, 1-based): chr7:92,502,037, A>G on the plus strand (T>C on the coding strand, the complement: PEX1 is on the minus strand). VCF-style: chr7-92502037-A-G. GRCh37 (hg19) VCF-style: chr7-92131351-A-G.
Other names: c.2098T>C, p.Leu700= (NM_001282677.2); c.1645T>C, p.Leu549= (NM_001282678.2); c.2269T>C (NM_000466.2).
Identifiers: ClinVar variation 1139764 (VCV001139764.12), dbSNP rs776758878, ClinGen allele CA4341166.

ClinVar aggregate classification (germline): Likely benign. Review status: criteria provided, multiple submitters, no conflicts (2 of 4 stars). 3 submissions from 3 submitters: Likely benign (2). 1 of the submissions does not count toward it. Last evaluated 2024-04-02.

Conditions:
PEX1-related disorder. Also called: PEX1-related condition.
Zellweger spectrum disorders (ZS). Also called: Zellweger Spectrum Disorder; Zellweger Spectrum; Zellweger syndrome; Zellweger Spectrum Disorder (ZSD). Identifiers: Orphanet 912, MedGen C0043459, MONDO:0019609.

Allele frequency attached by ClinVar (database versions not stated): gnomAD exomes below 0.00001 and 0.00001; ExAC 0.00001; TOPMed 0.00001; gnomAD 0.00002.
gnomAD v4.1: 5 of 1,612,790 alleles (0.00031%); highest among the groups gnomAD compares: African/African-American, 0.0053%; no homozygotes.

Submissions (3):

Labcorp Genetics (formerly Invitae), Labcorp
Classification: Likely benign for Zellweger spectrum disorders. Last evaluated: 2024-04-02. Review status: criteria provided, single submitter. Criteria: Invitae Variant Classification Sherloc (09022015). Collection method: clinical testing. Allele origin: germline.

Blueprint Genetics
Classification: Likely benign. Last evaluated: 2022-06-29. Review status: criteria provided, single submitter. Criteria: ACMG Guidelines, 2015. Collection method: clinical testing. Allele origin: germline.

PreventionGenetics, part of Exact Sciences
Classification: Likely benign for PEX1-related condition. Last evaluated: 2023-08-29. Review status: no assertion criteria provided. Collection method: clinical testing. Allele origin: germline. Not counted in ClinVar's aggregate classification.
Comment: This variant is classified as likely benign based on ACMG/AMP sequence variant interpretation guidelines (Richards et al. 2015 PMID: 25741868, with internal and published modifications).